The following continues an entry in ClinVar:

NM_000152.5(GAA):c.1465G>A (p.Asp489Asn)

Gene: GAA. ClinVar aggregate classification (germline): Pathogenic. Pathogenic (1).

Submissions 8 to 12 of 12:

Broad Center for Mendelian Genomics, Broad Institute of MIT and Harvard
Classification: Pathogenic for Glycogen storage disease, type II. Last evaluated: 2020-01-22. Review status: criteria provided, single submitter. Criteria: ACMG Guidelines, 2015. Collection method: curation. Allele origin: germline. Inheritance: Autosomal recessive inheritance. Not counted in ClinVar's aggregate classification.
Comment: The p.Asp489Asn variant in GAA has been reported in 15 individuals (including 9 Italian, 1 Spanish, and 1 French individuals) with Glycogen Storage Disease II (PMID: 22081099, 17616415, 18429042, 22711147, 22658377, 24844452, 22980766, 25103075; DOI: 10.12032/TMRTH201804005), and has also been reported likely pathogenic by Counsyl and Fulgent Genetics and pathogenic by EGL Genetic Diagnostics and Integrated Genetics in ClinVar (Variation ID: 92465). This variant has been identified in 0.004621% (1/21638) of European (Finnish) chromosomes, 0.003% (1/30614) of South Asian chromosomes, and 0.001% (1/113488) of European (non-Finnish) chromosomes by the Genome Aggregation Database (gnomAD; dbSNP rs398123169). Although this variant has been seen in the general population, its frequency is low enough to be consistent with a recessive carrier frequency. In vitro functional studies with COS cells transfected with this variant provide some evidence that the p.Asp489Asn variant may impact GAA activity (PMID: 19862843). However, these types of assays may not accurately represent biological function. Computational prediction tools and conservation analyses suggest that this variant may impact the protein, though this information is not predictive enough to determine pathogenicity. The presence of this variant in combination with pathogenic and likely pathogenic variants and in individuals with Glycogen Storage Disease II increases the likelihood that the p.Asp489Asn variant is pathogenic (PMID: 22658377, 22081099; 10.12032/TMRTH201804005). The phenotype of individuals heterozygous for this variant is highly specific for Glycogen Storage Disease II based on reduced GAA activity detected by assays with relevant tissue (PMID: 17151339, 22658377, 22081099, 17616415; DOI: 10.12032/TMRTH201804005). In summary, this variant meets criteria to be classified as pathogenic for Glycogen Storage Disease II in an autosomal recessive manner based on in vitro functional studies with COS cells transfected with this variant and multiple occurrences with pathogenic variants in individuals with Glycogen Storage Disease II. ACMG/AMP Criteria applied: PS3, PM3, PM2, PP3, PP4 (Richards 2015).

CeGaT Center for Human Genetics Tuebingen
Classification: Pathogenic. Last evaluated: 2018-08-01. Review status: criteria provided, single submitter. Criteria: CeGaT Center For Human Genetics Tuebingen Variant Classification Criteria Version 2. Collection method: clinical testing. Allele origin: germline. Affected: yes. Observed: 1 variant allele. Not counted in ClinVar's aggregate classification.

Women's Health and Genetics/Laboratory Corporation of America, LabCorp
Classification: Pathogenic for Glycogen storage disease, type II. Last evaluated: 2017-06-30. Review status: criteria provided, single submitter. Criteria: LabCorp Variant Classification Summary - May 2015. Collection method: clinical testing. Allele origin: germline. Not counted in ClinVar's aggregate classification.
Comment: Variant summary: The GAA c.1465G>A (p.Asp489Asn) variant involves the alteration of a conserved nucleotide located in the Glycoside hydrolase superfamily domain of the protein (InterPro). 4/5 in silico tools predict a damaging outcome for this variant. This variant was found in 2/120924 control chromosomes at a frequency of 0.0000165, which does not exceed the estimated maximal expected allele frequency of a pathogenic GAA variant (0.0042205). This variant has been reported in multiple affected individuals and GAA activity testing confirm the variant results in deficiency. In addition, multiple clinical diagnostic laboratories/reputable databases classified this variant as pathogenic. Taken together, this variant is classified as pathogenic.

Eurofins Ntd Llc (ga)
Classification: Pathogenic. Last evaluated: 2013-03-18. Review status: criteria provided, single submitter. Criteria: EGL Classification Definitions. Collection method: clinical testing. Allele origin: germline. Observed: 1 variant allele, 1 heterozygote. Not counted in ClinVar's aggregate classification.

Counsyl
Classification: Likely pathogenic for Glycogen storage disease, type II. Last evaluated: 2017-04-19. Review status: no assertion criteria provided. Collection method: clinical testing. Allele origin: unknown. Not counted in ClinVar's aggregate classification.

Literature cited by the submitters: PubMed 39020349 (cited by Genomenon, Inc); PubMed 36310651 (cited by Genomenon, Inc); PubMed 35477515 (cited by Genomenon, Inc); PubMed 34072668 (cited by Genomenon, Inc); PubMed 33301762 (cited by Genomenon, Inc); PubMed 32711049 (cited by Genomenon, Inc and Variantyx, Inc.); PubMed 31606152 (cited by Genomenon, Inc); PubMed 31193175 (cited by Genomenon, Inc); PubMed 29422078 (cited by Genomenon, Inc and Labcorp Genetics (formerly Invitae), Labcorp); PubMed 24923245 (cited by Genomenon, Inc); PubMed 19862843 (cited by 4 submitters); PubMed 17915575 (cited by Genomenon, Inc); PubMed 16917947 (cited by Labcorp Genetics (formerly Invitae), Labcorp and Variantyx, Inc.); PubMed 24844452 (cited by 4 submitters); PubMed 25626711 (cited by Variantyx, Inc.); PubMed 17151339 (cited by Broad Center for Mendelian Genomics, Broad Institute of MIT and Harvard); PubMed 17616415 (cited by 3 submitters); PubMed 18429042 (cited by 3 submitters); PubMed 22711147 (cited by Broad Center for Mendelian Genomics, Broad Institute of MIT and Harvard); PubMed 22081099 (cited by Broad Center for Mendelian Genomics, Broad Institute of MIT and Harvard and Counsyl); PubMed 22658377 (cited by 3 submitters); PubMed 25103075 (cited by Broad Center for Mendelian Genomics, Broad Institute of MIT and Harvard and Counsyl); PubMed 22980766 (cited by Broad Center for Mendelian Genomics, Broad Institute of MIT and Harvard).